The following is an entry in ClinVar:

NM_002049.4(GATA1):c.518T>G (p.Phe173Cys)

Gene: GATA1 (GATA binding protein 1; plus strand). Cytogenetic location: Xp11.23.
Variant type: single nucleotide variant.
Coding change: c.518T>G on transcript NM_002049.4 (MANE Select); coding-DNA position 518, T replaced by G.
Protein change: p.Phe173Cys; replaces phenylalanine 173 with cysteine.
Molecular consequence: missense variant.
Genome position (GRCh38, 1-based): chrX:48,792,141, T>G. VCF-style: chrX-48792141-T-G. GRCh37 (hg19) VCF-style: chrX-48650548-T-G.
Other names: short protein forms F173C.
Identifiers: ClinVar variation 3752988 (VCV003752988.2).
Genomic context (GRCh38, chrX:48,792,141, plus strand): 5'-CTTCATCACTCCCTGTCCCCAATAGTGCTTATGGGGGCCCTGACTTTTCCAGTACCTTCT[T>G]TTCTCCCACCGGGAGCCCCCTCAATTCAGCAGCCTATTCCTCTCCCAAGCTTCGTGGAAC-3'
Protein context (NP_002040.1, residues 163-183): YGGPDFSSTF[Phe173Cys]SPTGSPLNSA

ClinVar aggregate classification (germline): Uncertain significance (1 of 4 stars; one submission).

Conditions:
GATA binding protein 1 related thrombocytopenia with dyserythropoiesis. Also called: GATA1-Related X-Linked Cytopenia; GATA1-Related Cytopenia. Identifiers: MedGen C1845837, MONDO:0100089.
Diamond-Blackfan anemia. Also called: Blackfan Diamond syndrome; Aregenerative anemia chronic congenital; Red cell aplasia, pure hereditary; Congenital hypoplastic anemia; Aase syndrome. Identifiers: Orphanet 124, MedGen C1260899, MeSH D029503, MONDO:0015253, HP:0004810.

Submission:

Labcorp Genetics (formerly Invitae), Labcorp
Classification: Uncertain significance for GATA binding protein 1 related thrombocytopenia with dyserythropoiesis; Diamond-Blackfan anemia. Last evaluated: 2024-08-08. Review status: criteria provided, single submitter. Criteria: Invitae Variant Classification Sherloc (09022015). Collection method: clinical testing. Allele origin: germline.
Comment: This sequence change replaces phenylalanine, which is neutral and non-polar, with cysteine, which is neutral and slightly polar, at codon 173 of the GATA1 protein (p.Phe173Cys). This variant is present in population databases (rs782427793, gnomAD 0.004%). This variant has not been reported in the literature in individuals affected with GATA1-related conditions. Advanced modeling of protein sequence and biophysical properties (such as structural, functional, and spatial information, amino acid conservation, physicochemical variation, residue mobility, and thermodynamic stability) performed at Invitae indicates that this missense variant is not expected to disrupt GATA1 protein function with a negative predictive value of 80%. In summary, the available evidence is currently insufficient to determine the role of this variant in disease. Therefore, it has been classified as a Variant of Uncertain Significance.